The following is an entry in ClinVar:

ClinVar aggregate classification (germline): Likely pathogenic (1 of 4 stars; one submission).

Conditions:
BLNK-related disorder. Also called: BLNK-related condition.

Submission:

PreventionGenetics, part of Exact Sciences
Classification: Likely pathogenic for BLNK-related condition. Last evaluated: 2023-09-08. Review status: criteria provided, single submitter. Criteria: ACMG Guidelines, 2015. Collection method: clinical testing. Allele origin: germline.
Comment: The BLNK c.264delC variant is predicted to result in a frameshift and premature protein termination (p.Glu89Argfs*13). To our knowledge, this variant has not been reported in the literature or in a large population database, indicating this variant is rare. Frameshift variants in BLNK are expected to be pathogenic. This variant is interpreted as likely pathogenic.

NM_013314.4(BLNK):c.264del (p.Glu89fs)

Gene: BLNK (B cell linker; minus strand). Cytogenetic location: 10q24.1.
Variant type: Deletion.
Coding change: c.264del on transcript NM_013314.4 (MANE Select); coding-DNA position 264, one base deleted (C; older notation c.264delC).
Protein change: p.Glu89fs; shifts the reading frame from glutamic acid 89.
Molecular consequence: frameshift variant. On other transcripts: non-coding transcript variant (4).
Genome position (GRCh38, 1-based): chr10:96,227,507, G deleted on the plus strand (C on the coding strand, the reverse complement: BLNK is on the minus strand); the first of 2 consecutive G bases (chr10:96,227,507-96,227,508); deleting either gives the same sequence. VCF-style (leftmost placement, unchanged base first): chr10-96227506-CG-C. GRCh37 (hg19) VCF-style: chr10-97987262-CG-C.
Other names: c.264del, p.Glu89fs (NM_001114094.2, NM_001258440.2, NM_001258441.2 and 1 more transcripts); c.264delC (NM_013314.3); short protein forms E89fs.
Identifiers: ClinVar variation 2630855 (VCV002630855.1), dbSNP rs2492954169, ClinGen allele CA2695201013.